The following is an entry in ClinVar:

NM_000243.3(MEFV):c.372C>T (p.Pro124=)

Gene: MEFV (MEFV innate immunity regulator, pyrin; minus strand). Cytogenetic location: 16p13.3.
Variant type: single nucleotide variant.
Coding change: c.372C>T on transcript NM_000243.3 (MANE Select); coding-DNA position 372, C replaced by T.
Protein change: p.Pro124=; no amino-acid change (proline 124 retained).
Molecular consequence: synonymous variant. On other transcripts: intron variant (1).
Genome position (GRCh38, 1-based): chr16:3,254,696, G>A on the plus strand (C>T on the coding strand, the complement: MEFV is on the minus strand). VCF-style: chr16-3254696-G-A. GRCh37 (hg19) VCF-style: chr16-3304696-G-A.
Other names: c.277+1615C>T (NM_001198536.2).
Identifiers: ClinVar variation 97519 (VCV000097519.91), dbSNP rs104895078, ClinGen allele CA280592.

ClinVar aggregate classification (germline): Conflicting classifications of pathogenicity. Review status: criteria provided, conflicting classifications (1 of 4 stars). 11 submissions from 11 submitters: Uncertain significance (2); Benign (2); Likely benign (5). 2 of the submissions do not count toward it. Last evaluated 2026-06-01.

Conditions:
Autoinflammatory syndrome. Identifiers: Orphanet 93665, MedGen C3890737, MONDO:0019751.
Inborn genetic diseases. Identifiers: MedGen C0950123, MeSH D030342.
Familial Mediterranean fever (FMF). Also called: POLYSEROSITIS, FAMILIAL PAROXYSMAL; POLYSEROSITIS, RECURRENT; Periodic peritonitis; Benign paroxysmal peritonitis. Identifiers: Orphanet 342, MedGen C0031069, MONDO:0018088, OMIM 249100. Disease mechanism: gain of function.

Allele frequency attached by ClinVar (database versions not stated): gnomAD exomes 0.00033 and 0.00037; gnomAD 0.00035 and 0.00032; ESP Exome Variant Server 0.00046; 1000 Genomes Project 30x 0.00016; 1000 Genomes Project 0.00020; TOPMed 0.00031; ExAC 0.00032.
gnomAD v4.1: 579 of 1,612,658 alleles (0.036%); highest among the groups gnomAD compares: Middle Eastern, 0.066%; 1 homozygote.

Submissions (11):

CeGaT Center for Human Genetics Tuebingen
Classification: Likely benign. Last evaluated: 2026-06-01. Review status: criteria provided, single submitter. Criteria: CeGaT Center For Human Genetics Tuebingen Variant Classification Criteria Version 2. Collection method: clinical testing. Allele origin: germline. Affected: yes. Observed: 5 variant alleles.
Comment: MEFV: BP4, BP7

Labcorp Genetics (formerly Invitae), Labcorp
Classification: Likely benign for Familial Mediterranean fever. Last evaluated: 2026-01-31. Review status: criteria provided, single submitter. Criteria: Invitae Variant Classification Sherloc (09022015). Collection method: clinical testing. Allele origin: germline.

ARUP Laboratories, Molecular Genetics and Genomics, ARUP Laboratories
Classification: Benign. Last evaluated: 2024-11-19. Review status: criteria provided, single submitter. Criteria: ARUP Molecular Germline Variant Investigation Process 2024. Collection method: clinical testing. Allele origin: germline.

Blueprint Genetics
Classification: Likely benign. Last evaluated: 2024-10-02. Review status: criteria provided, single submitter. Criteria: ACMG Guidelines, 2015. Collection method: clinical testing. Allele origin: germline.

Ambry Genetics
Classification: Likely benign for Inborn genetic diseases. Last evaluated: 2022-05-06. Review status: criteria provided, single submitter. Criteria: Ambry Variant Classification Scheme 2023. Collection method: clinical testing. Allele origin: germline.

Genome Diagnostics Laboratory, The Hospital for Sick Children
Classification: Uncertain significance for Autoinflammatory syndrome. Last evaluated: 2021-04-12. Review status: criteria provided, single submitter. Criteria: ACMG Guidelines, 2015. Collection method: clinical testing. Allele origin: germline. Affected: yes.

Women's Health and Genetics/Laboratory Corporation of America, LabCorp
Classification: Likely benign. Last evaluated: 2019-08-28. Review status: criteria provided, single submitter. Criteria: LabCorp Variant Classification Summary - May 2015. Collection method: clinical testing. Allele origin: germline.

Illumina Laboratory Services, Illumina
Classification: Uncertain significance for Familial Mediterranean fever. Last evaluated: 2018-01-13. Review status: criteria provided, single submitter. Criteria: ICSL Variant Classification Criteria 13 December 2019. Collection method: clinical testing. Allele origin: germline.

GeneDx
Classification: Benign. Last evaluated: 2015-03-03. Review status: criteria provided, single submitter. Criteria: GeneDx Variant Classification Process June 2021. Collection method: clinical testing. Allele origin: germline. Affected: yes.

Natera, Inc.
Classification: Likely benign for Familial Mediterranean fever. Last evaluated: 2020-05-04. Review status: no assertion criteria provided. Collection method: clinical testing. Allele origin: germline. Not counted in ClinVar's aggregate classification.

Unité médicale des maladies autoinflammatoires, CHRU Montpellier
No classification provided. Condition: Familial Mediterranean fever. Review status: no classification provided. Collection method: not provided. Allele origin: unknown. Not counted in ClinVar's aggregate classification.